The following is an entry in ClinVar:

ClinVar aggregate classification (germline): Uncertain significance (1 of 4 stars; one submission).

Allele frequency attached by ClinVar (database versions not stated): gnomAD 0.00001; gnomAD exomes 0.00001 and 0.00002; TOPMed 0.00001.
gnomAD v4.1: 12 of 1,614,136 alleles (0.00074%); highest among the groups gnomAD compares: Non-Finnish European, 0.001%; no homozygotes.

Submission:

Labcorp Genetics (formerly Invitae), Labcorp
Classification: Uncertain significance. Last evaluated: 2025-12-09. Review status: criteria provided, single submitter. Criteria: Invitae Variant Classification Sherloc (09022015). Collection method: clinical testing. Allele origin: germline.
Comment: This sequence change replaces serine, which is neutral and polar, with glycine, which is neutral and non-polar, at codon 458 of the FLNB protein (p.Ser458Gly). This variant is present in population databases (no rsID available, gnomAD 0.003%). This variant has not been reported in the literature in individuals affected with FLNB-related conditions. ClinVar contains an entry for this variant (Variation ID: 1513456). Invitae Evidence Modeling of protein sequence and biophysical properties (such as structural, functional, and spatial information, amino acid conservation, physicochemical variation, residue mobility, and thermodynamic stability) indicates that this missense variant is not expected to disrupt FLNB protein function with a negative predictive value of 95%. In summary, the available evidence is currently insufficient to determine the role of this variant in disease. Therefore, it has been classified as a Variant of Uncertain Significance.

NM_001457.4(FLNB):c.1372A>G (p.Ser458Gly)

Gene: FLNB (filamin B; plus strand). Cytogenetic location: 3p14.3.
Variant type: single nucleotide variant.
Coding change: c.1372A>G on transcript NM_001457.4 (MANE Select); coding-DNA position 1372, A replaced by G.
Protein change: p.Ser458Gly; replaces serine 458 with glycine.
Molecular consequence: missense variant.
Genome position (GRCh38, 1-based): chr3:58,102,229, A>G. VCF-style: chr3-58102229-A-G. GRCh37 (hg19) VCF-style: chr3-58087956-A-G.
Other names: c.1372A>G, p.Ser458Gly (NM_001164317.2, NM_001164318.2, NM_001164319.2); short protein forms S458G.
Identifiers: ClinVar variation 1513456 (VCV001513456.6), dbSNP rs998829209, ClinGen allele CA75428752.
Genomic context (GRCh38, chr3:58,102,229, plus strand): 5'-AAAGATTGAATTGATGTCAAAACTGTGCTTGCAGCCTGCAATCCAAATGCCTGCCGGGCC[A>G]GTGGCCGAGGCCTACAACCCAAAGGCGTCCGTATCCGGGAGACCACAGATTTCAAGGTTG-3'
Protein context (NP_001448.2, residues 448-468): EACNPNACRA[Ser458Gly]GRGLQPKGVR